The following is an entry in ClinVar:

ClinVar aggregate classification (germline): Pathogenic/Likely pathogenic. Review status: criteria provided, multiple submitters, no conflicts (2 of 4 stars). 3 submissions from 3 submitters: Pathogenic (1); Likely pathogenic (2). Last evaluated 2024-05-01.

Conditions:
Joubert syndrome 28 (JBTS28). Identifiers: MedGen C4310705, MONDO:0014928, OMIM 617121.
Meckel syndrome, type 1 (MKS1). Also called: MECKEL-GRUBER SYNDROME, TYPE 1. Identifiers: Orphanet 564, MedGen C3714506, MONDO:0009571, OMIM 249000.
Bardet-Biedl syndrome 13 (BBS13). Identifiers: Orphanet 110, MedGen C2673873, MONDO:0014441, OMIM 615990.
Joubert syndrome. Also called: CEREBELLOPARENCHYMAL DISORDER IV; JOUBERT-BOLTSHAUSER SYNDROME; Familial aplasia of the vermis. Identifiers: Orphanet 475, MedGen C5979921, MONDO:0018772.
Meckel-Gruber syndrome. Also called: DYSENCEPHALIA SPLANCHNOCYSTICA; GRUBER SYNDROME; Dysencephalia splachnocystica. Identifiers: Orphanet 564, MedGen C0265215, MONDO:0018921.

Allele frequency attached by ClinVar (database versions not stated): gnomAD 0.00001; gnomAD exomes 0.00001; TOPMed 0.00001.
gnomAD v4.1: 16 of 1,605,798 alleles (0.001%); highest among the groups gnomAD compares: East Asian, 0.0022%; no homozygotes.

Submissions (3):

Fulgent Genetics
Classification: Likely pathogenic for Meckel syndrome, type 1; Bardet-Biedl syndrome 13; Joubert syndrome 28. Last evaluated: 2024-05-01. Review status: criteria provided, single submitter. Criteria: ACMG Guidelines, 2015. Collection method: clinical testing. Allele origin: germline.

Baylor Genetics
Classification: Likely pathogenic for Bardet-Biedl syndrome 13. Last evaluated: 2024-02-12. Review status: criteria provided, single submitter. Criteria: ACMG Guidelines, 2015. Collection method: clinical testing. Allele origin: unknown.

Labcorp Genetics (formerly Invitae), Labcorp
Classification: Pathogenic for Joubert syndrome; Meckel-Gruber syndrome. Last evaluated: 2024-01-12. Review status: criteria provided, single submitter. Criteria: Invitae Variant Classification Sherloc (09022015). Collection method: clinical testing. Allele origin: germline.
Comment: This sequence change falls in intron 15 of the MKS1 gene. It does not directly change the encoded amino acid sequence of the MKS1 protein. This variant is present in population databases (no rsID available, gnomAD 0.005%). This variant has been observed in individual(s) with Meckel syndrome (PMID: 35360848). In at least one individual the data is consistent with being in trans (on the opposite chromosome) from a pathogenic variant. It has also been observed to segregate with disease in related individuals. ClinVar contains an entry for this variant (Variation ID: 2160287). Algorithms developed to predict the effect of sequence changes on RNA splicing suggest that this variant may disrupt the consensus splice site. For these reasons, this variant has been classified as Pathogenic.

Literature cited by the submitters: PubMed 35360848 (cited by Labcorp Genetics (formerly Invitae), Labcorp).

NM_017777.4(MKS1):c.1408-14A>G

Gene: MKS1 (MKS transition zone complex subunit 1; minus strand). Cytogenetic location: 17q22.
Variant type: single nucleotide variant.
Coding change: c.1408-14A>G on transcript NM_017777.4 (MANE Select); 14 bases into the intron before coding-DNA position 1408, A replaced by G.
Molecular consequence: intron variant.
Genome position (GRCh38, 1-based): chr17:58,206,561, T>C on the plus strand (A>G on the coding strand, the complement: MKS1 is on the minus strand). VCF-style: chr17-58206561-T-C. GRCh37 (hg19) VCF-style: chr17-56283922-T-C.
Other names: c.799-14A>G (NM_001321268.2); c.1274-181A>G (NM_001330397.2); c.1408-181A>G (NM_001321269.2).
Identifiers: ClinVar variation 2160287 (VCV002160287.6), dbSNP rs1194131222, ClinGen allele CA626728857.